The following is an entry in ClinVar:

ClinVar aggregate classification (germline): Uncertain significance. Review status: criteria provided, multiple submitters, no conflicts (2 of 4 stars). 2 submissions from 2 submitters: Uncertain significance (2). Last evaluated 2024-12-28.

Conditions:
Neuropathy, hereditary sensory and autonomic, type 2A (HSAN2A). Also called: HSAN IIA; WNK1-Related HSAN2 (HSAN2A); ACROOSTEOLYSIS, GIACCAI TYPE; ACROOSTEOLYSIS, NEUROGENIC; MORVAN DISEASE; NEUROPATHY, CONGENITAL SENSORY. Identifiers: Orphanet 970, MedGen C2752089, MONDO:0024309, OMIM 201300.
Pseudohypoaldosteronism type 2C (PHA2C). Also called: Pseudohypoaldosteronism Type IIC. Identifiers: Orphanet 757, Orphanet 88940, MedGen C1840391, MONDO:0013778, OMIM 614492.

Allele frequency attached by ClinVar (database versions not stated): TOPMed below 0.00001; gnomAD 0.00001.
gnomAD v4.1: 19 of 1,611,430 alleles (0.0012%); highest among the groups gnomAD compares: African/African-American, 0.0027%; no homozygotes.

Submissions (2):

Mayo Clinic Laboratories, Mayo Clinic
Classification: Uncertain significance. Last evaluated: 2024-12-28. Review status: criteria provided, single submitter. Criteria: ACMG Guidelines, 2015. Collection method: clinical testing. Allele origin: germline. Observed: 1 variant allele.
Comment: BP4

Labcorp Genetics (formerly Invitae), Labcorp
Classification: Uncertain significance for Neuropathy, hereditary sensory and autonomic, type 2A; Pseudohypoaldosteronism type 2C. Last evaluated: 2024-03-28. Review status: criteria provided, single submitter. Criteria: Invitae Variant Classification Sherloc (09022015). Collection method: clinical testing. Allele origin: germline.
Comment: This sequence change replaces alanine, which is neutral and non-polar, with serine, which is neutral and polar, at codon 110 of the WNK1 protein (p.Ala110Ser). This variant is not present in population databases (gnomAD no frequency). This variant has not been reported in the literature in individuals affected with WNK1-related conditions. Advanced modeling of protein sequence and biophysical properties (such as structural, functional, and spatial information, amino acid conservation, physicochemical variation, residue mobility, and thermodynamic stability) performed at Invitae indicates that this missense variant is not expected to disrupt WNK1 protein function with a negative predictive value of 95%. In summary, the available evidence is currently insufficient to determine the role of this variant in disease. Therefore, it has been classified as a Variant of Uncertain Significance.

NM_018979.4(WNK1):c.328G>T (p.Ala110Ser)

Gene: WNK1 (WNK lysine deficient protein kinase 1; plus strand). Cytogenetic location: 12p13.33.
Variant type: single nucleotide variant.
Coding change: c.328G>T on transcript NM_018979.4 (MANE Select); coding-DNA position 328, G replaced by T.
Protein change: p.Ala110Ser; replaces alanine 110 with serine.
Molecular consequence: missense variant.
Genome position (GRCh38, 1-based): chr12:753,893, G>T. VCF-style: chr12-753893-G-T. GRCh37 (hg19) VCF-style: chr12-863059-G-T.
Other names: p.Ala110Ser; c.328G>T, p.Ala110Ser (NM_001184985.2, NM_014823.3, NM_213655.5); c.328G>T (NM_213655.4); short protein forms A110S.
Identifiers: ClinVar variation 2926841 (VCV002926841.4), dbSNP rs777835259, ClinGen allele CA383304839.